The following is an entry in ClinVar:

NM_019851.3(FGF20):c.535G>T (p.Ala179Ser)

Gene: FGF20 (fibroblast growth factor 20; minus strand). Cytogenetic location: 8p22.
Variant type: single nucleotide variant.
Coding change: c.535G>T on transcript NM_019851.3 (MANE Select); coding-DNA position 535, G replaced by T.
Protein change: p.Ala179Ser; replaces alanine 179 with serine.
Molecular consequence: missense variant.
Genome position (GRCh38, 1-based): chr8:16,993,173, C>A on the plus strand (G>T on the coding strand, the complement: FGF20 is on the minus strand). VCF-style: chr8-16993173-C-A. GRCh37 (hg19) VCF-style: chr8-16850682-C-A.
Other names: c.535G>T (NM_019851.2); short protein forms A179S.
Identifiers: ClinVar variation 2697660 (VCV002697660.4), dbSNP rs376046538, ClinGen allele CA4641568.

ClinVar aggregate classification (germline): Uncertain significance. Review status: criteria provided, multiple submitters, no conflicts (2 of 4 stars). 2 submissions from 2 submitters: Uncertain significance (2). Last evaluated 2025-01-20.

gnomAD v4.1: 24 of 1,613,914 alleles (0.0015%); highest among the groups gnomAD compares: South Asian, 0.014%; no homozygotes.

Submissions (2):

Ambry Genetics
Classification: Uncertain significance. Last evaluated: 2025-01-20. Review status: criteria provided, single submitter. Criteria: Ambry Variant Classification Scheme 2023. Collection method: clinical testing. Allele origin: germline.

Labcorp Genetics (formerly Invitae), Labcorp
Classification: Uncertain significance. Last evaluated: 2023-06-14. Review status: criteria provided, single submitter. Criteria: Invitae Variant Classification Sherloc (09022015). Collection method: clinical testing. Allele origin: germline.
Comment: In summary, the available evidence is currently insufficient to determine the role of this variant in disease. Therefore, it has been classified as a Variant of Uncertain Significance. Algorithms developed to predict the effect of missense changes on protein structure and function output the following: SIFT: "Not Available"; PolyPhen-2: "Benign"; Align-GVGD: "Not Available". The serine amino acid residue is found in multiple mammalian species, which suggests that this missense change does not adversely affect protein function. This variant has not been reported in the literature in individuals affected with FGF20-related conditions. This variant is present in population databases (rs376046538, gnomAD 0.01%). This sequence change replaces alanine, which is neutral and non-polar, with serine, which is neutral and polar, at codon 179 of the FGF20 protein (p.Ala179Ser).